The following is an entry in ClinVar:

NM_001035.3(RYR2):c.11464G>A (p.Glu3822Lys)

Gene: RYR2 (ryanodine receptor 2; plus strand). Cytogenetic location: 1q43.
Variant type: single nucleotide variant.
Coding change: c.11464G>A on transcript NM_001035.3 (MANE Select); coding-DNA position 11464, G replaced by A.
Protein change: p.Glu3822Lys; replaces glutamic acid 3822 with lysine.
Molecular consequence: missense variant.
Genome position (GRCh38, 1-based): chr1:237,761,016, G>A. VCF-style: chr1-237761016-G-A. GRCh37 (hg19) VCF-style: chr1-237924316-G-A.
Other names: short protein forms E3822K.
Identifiers: ClinVar variation 3385842 (VCV003385842.1).

ClinVar aggregate classification (germline): Uncertain significance (1 of 4 stars; one submission).

Conditions:
Catecholaminergic polymorphic ventricular tachycardia (CVPT). Also called: Catecholamine-induced polymorphic ventricular tachycardia. Identifiers: Orphanet 3286, MedGen C5574922, MONDO:0017990.

Submission:

All of Us Research Program, National Institutes of Health
Classification: Uncertain significance for Catecholaminergic polymorphic ventricular tachycardia. Last evaluated: 2024-04-16. Review status: criteria provided, single submitter. Criteria: ACMG Guidelines, 2015. Collection method: clinical testing. Allele origin: germline. Inheritance: Autosomal dominant inheritance. Observed: 1 variant allele, 1 heterozygote.
Comment: This missense variant replaces glutamic acid with lysine at codon 3822 of the RYR2 protein. Computational prediction suggests that this variant may have deleterious impact on protein structure and function (internally defined REVEL score threshold >= 0.7, PMID: 27666373). To our knowledge, functional studies have not been reported for this variant. This variant has not been reported in individuals affected with RYR2-related disorders in the literature. This variant has not been identified in the general population by the Genome Aggregation Database (gnomAD). The available evidence is insufficient to determine the role of this variant in disease conclusively. Therefore, this variant is classified as a Variant of Uncertain Significance.

This study involves interpretation of variants in research participants for the purpose of population health screening. Participant phenotype was not available at the time of variant classification. Additional details can be found in publication PMID: 35346344, PMCID: PMC8962531